The following is an entry in ClinVar:

ClinVar aggregate classification (germline): Uncertain significance (1 of 4 stars; one submission).

Allele frequency attached by ClinVar (database versions not stated): gnomAD exomes below 0.00001.
gnomAD v4.1: 1 of 1,614,128 alleles (0.000062%); highest among the groups gnomAD compares: Non-Finnish European, 0.000085%; no homozygotes.

Submission:

GeneDx
Classification: Uncertain significance. Last evaluated: 2026-10-23. Review status: criteria provided, single submitter. Criteria: GeneDx Variant Classification Process June 2021. Collection method: clinical testing. Allele origin: germline.
Comment: Not observed at significant frequency in large population cohorts (gnomAD); Missense variants in this gene are a common cause of disease and they are underrepresented in the general population; In silico analysis supports that this missense variant has a deleterious effect on protein structure/function; This variant is associated with the following publications: (PMID: 33057194, 35982159, 26633542)

NM_002755.4(MAP2K1):c.412G>A (p.Glu138Lys)

Gene: MAP2K1 (mitogen-activated protein kinase kinase 1; plus strand). Cytogenetic location: 15q22.31.
Variant type: single nucleotide variant.
Coding change: c.412G>A on transcript NM_002755.4 (MANE Select); coding-DNA position 412, G replaced by A.
Protein change: p.Glu138Lys; replaces glutamic acid 138 with lysine.
Molecular consequence: missense variant.
Genome position (GRCh38, 1-based): chr15:66,436,866, G>A. VCF-style: chr15-66436866-G-A. GRCh37 (hg19) VCF-style: chr15-66729204-G-A.
Other names: p.E138K:GAG>AAG; short protein forms E138K.
Identifiers: ClinVar variation 180901 (VCV000180901.3), dbSNP rs730880504, ClinGen allele CA296115.